The following is an entry in ClinVar:

NM_015466.4(PTPN23):c.4178+4G>C

Gene: PTPN23 (protein tyrosine phosphatase non-receptor type 23; plus strand). Cytogenetic location: 3p21.31.
Variant type: single nucleotide variant.
Coding change: c.4178+4G>C on transcript NM_015466.4 (MANE Select); 4 bases into the intron after coding-DNA position 4178, G replaced by C.
Molecular consequence: intron variant.
Genome position (GRCh38, 1-based): chr3:47,412,202, G>C. VCF-style: chr3-47412202-G-C. GRCh37 (hg19) VCF-style: chr3-47453692-G-C.
Other names: c.3800+4G>C (NM_001304482.2).
Identifiers: ClinVar variation 1474035 (VCV001474035.4), dbSNP rs779899409, ClinGen allele CA2366491.

ClinVar aggregate classification (germline): Uncertain significance (1 of 4 stars; one submission).

Allele frequency attached by ClinVar (database versions not stated): gnomAD exomes below 0.00001; ExAC 0.00001; gnomAD 0.00001 and 0.00002; TOPMed 0.00001.
gnomAD v4.1: 4 of 1,613,142 alleles (0.00025%); highest among the groups gnomAD compares: African/African-American, 0.0027%; no homozygotes.

Submission:

Labcorp Genetics (formerly Invitae), Labcorp
Classification: Uncertain significance. Last evaluated: 2021-03-31. Review status: criteria provided, single submitter. Criteria: Invitae Variant Classification Sherloc (09022015). Collection method: clinical testing. Allele origin: germline.
Comment: In summary, the available evidence is currently insufficient to determine the role of this variant in disease. Therefore, it has been classified as a Variant of Uncertain Significance. Nucleotide substitutions within the consensus splice site are a relatively common cause of aberrant splicing (PMID: 17576681, 9536098). Algorithms developed to predict the effect of sequence changes on RNA splicing suggest that this variant is not likely to affect RNA splicing, but this prediction has not been confirmed by published transcriptional studies. This variant has not been reported in the literature in individuals with PTPN23-related conditions. This variant is present in population databases (rs779899409, ExAC 0.01%). This sequence change falls in intron 22 of the PTPN23 gene. It does not directly change the encoded amino acid sequence of the PTPN23 protein. It affects a nucleotide within the consensus splice site of the intron.

Literature cited by the submitters: PubMed 17576681; PubMed 9536098.